The following is an entry in ClinVar:

GRCh37/hg19 Xq22.3-23(chrX:104782507-112949573)x2

Genes: AMOT (angiomotin; minus strand), ACSL4 (acyl-CoA synthetase long chain family member 4; minus strand), ALG13 (ALG13 UDP-N-acetylglucosaminyltransferase subunit; plus strand), AMMECR1 (AMMECR nuclear protein 1; minus strand), ATG4A (autophagy related 4A cysteine peptidase; plus strand) and 36 more. Cytogenetic location: Xq22.3-23.
Variant type: copy number gain.
Change: copy number 2 of chrX:104,782,507-112,949,573 (8.17 Mb, GRCh37 coordinates, 1-based), cytogenetic band Xq22.3-23.
Identifiers: ClinVar variation 1328107 (VCV001328107.4).

ClinVar aggregate classification (germline): Likely pathogenic (1 of 4 stars; one submission).

Submission:

Illumina Laboratory Services, Illumina
Classification: Likely pathogenic. Last evaluated: 2021-10-20. Review status: criteria provided, single submitter. Criteria: ICSL CNVClassificationCriteria Aug2020. Collection method: clinical testing. Allele origin: unknown.
Comment: The CNV constitutes a gain encompassing 54 genes, of which 45 are protein-coding. One breakpoint resides in an intergenic region, while the other affects the IL1RAPL2 gene, which currently has no established gene-disease relationship. Patients with similar gains in this region have not been reported in the peer-reviewed literature. This CNV is also absent from the Genome Aggregation Database and from control populations in a developmental delay study (Coe et al. 2014). There are several individuals described in the literature with duplications in this region that partially overlap with this CNV. Authors note that PLP1 and MID2 are likely contributors to the individual's main features. Of note, PLP1 is not affected by this CNV. X-inactivation studies showed skewed inactivation pattern in buccal cells. Phenotypes reported in this family include global developmental delay, failure to thrive, nystagmus, hypotonia, hyperreflexia, white matter abnormalities on brain MRI, and facial dysmorphism. Additionally, several copy-number gains with limited overlap in genomic content are found in DECIPHER database in individuals noted to display some overlapping phenotypic features, including intellectual disability, delayed speech and language development, abnormal facial features, and abnormal behavior (Firth et al. 2009). Based on the available evidence, this CNV is classified as likely pathogenic.

Literature cited by the submitters: PubMed 16283679; PubMed 19344873; PubMed 21623770; PubMed 25217958; PubMed 31951325.